The following is an entry in ClinVar:

NM_001077350.3(NPRL3):c.1252GAG[2] (p.Glu420del)

Genes: HBA-LCR (alpha-globin locus control region; plus strand), NPRL3 (NPR3 like, GATOR1 complex subunit; minus strand). Cytogenetic location: 16p13.3.
Variant type: Microsatellite.
Coding change: c.1252GAG[2] on transcript NM_001077350.3 (MANE Select); two copies in a row of the 3-base unit GAG starting at c.1252; the reference has three copies in a row; one copy, 3 bases deleted.
Protein change: p.Glu420del; deletes glutamic acid 420.
Molecular consequence: inframe deletion.
Genome position (GRCh38, 1-based): chr16:89,804-89,806, CTC deleted on the plus strand (GAG on the coding strand, the reverse complement: NPRL3 is on the minus strand); deleting any 3 consecutive bases within chr16:89,804-89,812 gives the same sequence; the position shown is the placement nearest the transcript's 3' end. VCF-style (leftmost placement, unchanged base first): chr16-89803-GCTC-G. GRCh37 (hg19) VCF-style: chr16-139801-GCTC-G.
Other names: c.715GAG[2], p.Glu241del (NM_001039476.3); c.1018GAG[2], p.Glu342del (NM_001243247.2); c.1177GAG[2], p.Glu395del (NM_001243248.2, NM_001243249.2); short protein forms E420del, E395del, E241del, E342del.
Identifiers: ClinVar variation 836576 (VCV000836576.8), dbSNP rs765072700, ClinGen allele CA276458590.

ClinVar aggregate classification (germline): Uncertain significance (1 of 4 stars; one submission).

Conditions:
Epilepsy, familial focal, with variable foci 3 (FFEVF3). Identifiers: MedGen C4310708, MONDO:0014925, OMIM 617118.

Submission:

Labcorp Genetics (formerly Invitae), Labcorp
Classification: Uncertain significance for Epilepsy, familial focal, with variable foci 3. Last evaluated: 2021-02-02. Review status: criteria provided, single submitter. Criteria: Invitae Variant Classification Sherloc (09022015). Collection method: clinical testing. Allele origin: germline.
Comment: In summary, the available evidence is currently insufficient to determine the role of this variant in disease. Therefore, it has been classified as a Variant of Uncertain Significance. Experimental studies and prediction algorithms are not available or were not evaluated, and the functional significance of this variant is currently unknown. This variant has not been reported in the literature in individuals with NPRL3-related conditions. This variant is not present in population databases (ExAC no frequency). This variant, c.1258_1260del, results in the deletion of 1 amino acid(s) of the NPRL3 protein (p.Glu420del), but otherwise preserves the integrity of the reading frame.